The following is an entry in ClinVar:

ClinVar aggregate classification (germline): Uncertain significance (1 of 4 stars; one submission).

Conditions:
Menkes kinky-hair syndrome (MNK). Also called: Classic Menkes Disease; Copper transport disease; Menkes Disease. Identifiers: Orphanet 565, MedGen C0022716, MONDO:0010651, OMIM 309400.
X-linked distal spinal muscular atrophy type 3. Also called: NEURONOPATHY, DISTAL HEREDITARY MOTOR, X-LINKED; NEUROPATHY, DISTAL HEREDITARY MOTOR, X-LINKED; ATP7A-Related Distal Motor Neuropathy; SPINAL MUSCULAR ATROPHY, DISTAL, X-LINKED RECESSIVE. Identifiers: Orphanet 139557, MedGen C1845359, MONDO:0010338, OMIM 300489.
Cutis laxa, X-linked (OHS). Also called: EDS IX; Occipital horn syndrome. Identifiers: Orphanet 198, MedGen C0268353, MONDO:0010572, OMIM 304150.

Submission:

Labcorp Genetics (formerly Invitae), Labcorp
Classification: Uncertain significance for X-linked distal spinal muscular atrophy type 3; Cutis laxa, X-linked; Menkes kinky-hair syndrome. Last evaluated: 2022-08-23. Review status: criteria provided, single submitter. Criteria: Invitae Variant Classification Sherloc (09022015). Collection method: clinical testing. Allele origin: germline.
Comment: In summary, the available evidence is currently insufficient to determine the role of this variant in disease. Therefore, it has been classified as a Variant of Uncertain Significance. Advanced modeling of protein sequence and biophysical properties (such as structural, functional, and spatial information, amino acid conservation, physicochemical variation, residue mobility, and thermodynamic stability) performed at Invitae indicates that this missense variant is expected to disrupt ATP7A protein function. ClinVar contains an entry for this variant (Variation ID: 1509456). This variant has not been reported in the literature in individuals affected with ATP7A-related conditions. This variant is not present in population databases (gnomAD no frequency). This sequence change replaces serine, which is neutral and polar, with phenylalanine, which is neutral and non-polar, at codon 577 of the ATP7A protein (p.Ser577Phe).

NM_000052.7(ATP7A):c.1730C>T (p.Ser577Phe)

Gene: ATP7A (ATPase copper transporting alpha; plus strand). Cytogenetic location: Xq21.1.
Variant type: single nucleotide variant.
Coding change: c.1730C>T on transcript NM_000052.7 (MANE Select); coding-DNA position 1730, C replaced by T.
Protein change: p.Ser577Phe; replaces serine 577 with phenylalanine.
Molecular consequence: missense variant.
Genome position (GRCh38, 1-based): chrX:78,009,124, C>T. VCF-style: chrX-78009124-C-T. GRCh37 (hg19) VCF-style: chrX-77264621-C-T.
Other names: c.1730C>T, p.Ser577Phe (NM_001282224.2); short protein forms S577F.
Identifiers: ClinVar variation 1509456 (VCV001509456.6), dbSNP rs2149093499, ClinGen allele CA413596850.